The following is an entry in ClinVar:

ClinVar aggregate classification (germline): Uncertain significance. Review status: criteria provided, multiple submitters, no conflicts (2 of 4 stars). 2 submissions from 2 submitters: Uncertain significance (2). Last evaluated 2026-04-13.

Conditions:
DENND4B-related disorder. Also called: DENND4B-related condition.

Allele frequency attached by ClinVar (database versions not stated): gnomAD 0.00001.
gnomAD v4.1: 38 of 1,565,476 alleles (0.0024%); highest among the groups gnomAD compares: South Asian, 0.027%; no homozygotes.

Submissions (2):

PreventionGenetics, part of Exact Sciences
Classification: Uncertain significance for DENND4B-related condition. Last evaluated: 2026-04-13. Review status: criteria provided, single submitter. Criteria: ACMG Guidelines, 2015. Collection method: clinical testing. Allele origin: germline.
Comment: The DENND4B c.3233C>T variant is predicted to result in the amino acid substitution p.Pro1078Leu. To our knowledge, this variant has not been reported in the literature. This variant is reported in 0.035% of alleles in individuals of South Asian descent in gnomAD. At this time, the clinical significance of this variant is uncertain due to the absence of conclusive functional and genetic evidence.

Ambry Genetics
Classification: Uncertain significance. Last evaluated: 2025-09-26. Review status: criteria provided, single submitter. Criteria: Ambry Variant Classification Scheme 2023. Collection method: clinical testing. Allele origin: germline.

NM_014856.3(DENND4B):c.3233C>T (p.Pro1078Leu)

Gene: DENND4B (DENN domain containing 4B; minus strand). Cytogenetic location: 1q21.3.
Variant type: single nucleotide variant.
Coding change: c.3233C>T on transcript NM_014856.3 (MANE Select); coding-DNA position 3233, C replaced by T.
Protein change: p.Pro1078Leu; replaces proline 1078 with leucine.
Molecular consequence: missense variant.
Genome position (GRCh38, 1-based): chr1:153,933,580, G>A on the plus strand (C>T on the coding strand, the complement: DENND4B is on the minus strand). VCF-style: chr1-153933580-G-A. GRCh37 (hg19) VCF-style: chr1-153906056-G-A.
Other names: c.3266C>T, p.Pro1089Leu (NM_001367466.1); short protein forms P1078L, P1089L.
Identifiers: ClinVar variation 2226855 (VCV002226855.4), dbSNP rs767967521, ClinGen allele CA1121243.